The following is an entry in ClinVar:

ClinVar aggregate classification (germline): Uncertain significance (1 of 4 stars; one submission).

Submission:

Labcorp Genetics (formerly Invitae), Labcorp
Classification: Uncertain significance. Last evaluated: 2025-06-29. Review status: criteria provided, single submitter. Criteria: Invitae Variant Classification Sherloc (09022015). Collection method: clinical testing. Allele origin: germline.
Comment: This sequence change replaces glutamic acid, which is acidic and polar, with alanine, which is neutral and non-polar, at codon 126 of the NEFH protein (p.Glu126Ala). This variant is not present in population databases (gnomAD no frequency). This variant has not been reported in the literature in individuals affected with NEFH-related conditions. Experimental studies and prediction algorithms are not available or were not evaluated, and the functional significance of this variant is currently unknown. In summary, the available evidence is currently insufficient to determine the role of this variant in disease. Therefore, it has been classified as a Variant of Uncertain Significance.

NM_021076.4(NEFH):c.377A>C (p.Glu126Ala)

Gene: NEFH (neurofilament heavy chain; plus strand). Cytogenetic location: 22q12.2.
Variant type: single nucleotide variant.
Coding change: c.377A>C on transcript NM_021076.4 (MANE Select); coding-DNA position 377, A replaced by C.
Protein change: p.Glu126Ala; replaces glutamic acid 126 with alanine.
Molecular consequence: missense variant.
Genome position (GRCh38, 1-based): chr22:29,480,639, A>C. VCF-style: chr22-29480639-A-C. GRCh37 (hg19) VCF-style: chr22-29876628-A-C.
Other names: short protein forms E126A.
Identifiers: ClinVar variation 4710391 (VCV004710391.1).